The following is an entry in ClinVar:

ClinVar aggregate classification (germline): Uncertain significance (1 of 4 stars; one submission).

Conditions:
Coxopodopatellar syndrome. Also called: SCOTT-TAOR SYNDROME; Small patella syndrome; ISCHIOCOXOPODOPATELLAR SYNDROME; PATELLA APLASIA, COXA VARA, AND TARSAL SYNOSTOSIS; ISCHIOPATELLAR DYSPLASIA; Congenital coxa vara, patella aplasia and tarsal synostosis. Identifiers: Orphanet 1509, MedGen C1840061, MONDO:0007841, OMIM 147891.
Autosomal recessive amelia. Identifiers: Orphanet 1027, MedGen C1832432, MONDO:0011054, OMIM 601360.

Submission:

Juno Genomics, Hangzhou Juno Genomics, Inc
Classification: Uncertain significance for Autosomal recessive amelia; Coxopodopatellar syndrome. Review status: criteria provided, single submitter. Criteria: ACMG Guidelines, 2015. Collection method: clinical testing. Allele origin: germline.
Comment: Absent from controls (or at extremely low frequency if recessive) in Genome Aggregation Database.;Protein length changes due to in-frame deletions/insertions in a non-repeat region or stop-loss variants.

NM_001321120.2(TBX4):c.1152_1154del (p.Ser385del)

Gene: TBX4 (T-box transcription factor 4; plus strand). Cytogenetic location: 17q23.2.
Variant type: Deletion.
Coding change: c.1152_1154del on transcript NM_001321120.2 (MANE Select); coding-DNA positions 1152 to 1154, 3 bases deleted (CAG; older notation c.1152_1154delCAG).
Protein change: p.Ser385del; deletes serine 385.
Molecular consequence: inframe deletion.
Genome position (GRCh38, 1-based): chr17:61,483,027-61,483,029, CAG deleted; deleting any 3 consecutive bases within chr17:61,483,026-61,483,029 gives the same sequence; the c. name uses the placement nearest the transcript's 3' end. VCF-style (leftmost placement, unchanged base first): chr17-61483025-TGCA-T. GRCh37 (hg19) VCF-style: chr17-59560386-TGCA-T.
Other names: c.1149_1151del, p.Ser384del (NM_018488.3); short protein forms S384del, S385del.
Identifiers: ClinVar variation 5005788 (VCV005005788.2).